The following is an entry in ClinVar:

ClinVar aggregate classification (germline): Uncertain significance. Review status: criteria provided, multiple submitters, no conflicts (2 of 4 stars). 2 submissions from 2 submitters: Uncertain significance (2). Last evaluated 2023-03-14.

Conditions:
Inborn genetic diseases. Identifiers: MedGen C0950123, MeSH D030342.

gnomAD v4.1: 24 of 1,614,040 alleles (0.0015%); highest among the groups gnomAD compares: Non-Finnish European, 0.0018%; no homozygotes.

Submissions (2):

Ambry Genetics
Classification: Uncertain significance for Inborn genetic diseases. Last evaluated: 2023-03-14. Review status: criteria provided, single submitter. Criteria: Ambry Variant Classification Scheme 2023. Collection method: clinical testing. Allele origin: germline.

Labcorp Genetics (formerly Invitae), Labcorp
Classification: Uncertain significance. Last evaluated: 2022-10-25. Review status: criteria provided, single submitter. Criteria: Invitae Variant Classification Sherloc (09022015). Collection method: clinical testing. Allele origin: germline.
Comment: This sequence change replaces arginine, which is basic and polar, with glutamine, which is neutral and polar, at codon 283 of the FAM161A protein (p.Arg283Gln). This variant is present in population databases (rs201935759, gnomAD 0.003%). This variant has not been reported in the literature in individuals affected with FAM161A-related conditions. Advanced modeling of protein sequence and biophysical properties (such as structural, functional, and spatial information, amino acid conservation, physicochemical variation, residue mobility, and thermodynamic stability) performed at Invitae indicates that this missense variant is expected to disrupt FAM161A protein function. In summary, the available evidence is currently insufficient to determine the role of this variant in disease. Therefore, it has been classified as a Variant of Uncertain Significance.

NM_001201543.2(FAM161A):c.848G>A (p.Arg283Gln)

Gene: FAM161A (FAM161 centrosomal protein A; minus strand). Cytogenetic location: 2p15.
Variant type: single nucleotide variant.
Coding change: c.848G>A on transcript NM_001201543.2 (MANE Select); coding-DNA position 848, G replaced by A.
Protein change: p.Arg283Gln; replaces arginine 283 with glutamine.
Molecular consequence: missense variant. On other transcripts: non-coding transcript variant (1).
Genome position (GRCh38, 1-based): chr2:61,840,156, C>T on the plus strand (G>A on the coding strand, the complement: FAM161A is on the minus strand). VCF-style: chr2-61840156-C-T. GRCh37 (hg19) VCF-style: chr2-62067291-C-T.
Other names: c.848G>A, p.Arg283Gln (NM_032180.3); c.848G>A (NM_001201543.1); short protein forms R283Q.
Identifiers: ClinVar variation 2179798 (VCV002179798.3), dbSNP rs201935759, ClinGen allele CA1679263.